The following is an entry in ClinVar:

ClinVar aggregate classification (germline): Uncertain significance. Review status: criteria provided, multiple submitters, no conflicts (2 of 4 stars). 4 submissions from 4 submitters: Uncertain significance (4). Last evaluated 2025-10-09.

Conditions:
FANCM-related disorder. Also called: FANCM-related condition.
Inborn genetic diseases. Identifiers: MedGen C0950123, MeSH D030342.
Fanconi anemia (FA). Also called: Fanconi's anemia. Identifiers: Orphanet 84, MedGen C0015625, MeSH D005199, MONDO:0019391.

Allele frequency attached by ClinVar (database versions not stated): gnomAD exomes below 0.00001; ExAC 0.00001; TOPMed 0.00001; gnomAD 0.00004; ESP Exome Variant Server 0.00008.

Submissions (4):

Labcorp Genetics (formerly Invitae), Labcorp
Classification: Uncertain significance for Fanconi anemia. Last evaluated: 2025-10-09. Review status: criteria provided, single submitter. Criteria: Invitae Variant Classification Sherloc (09022015). Collection method: clinical testing. Allele origin: germline.
Comment: This sequence change replaces glutamine, which is neutral and polar, with histidine, which is basic and polar, at codon 162 of the FANCM protein (p.Gln162His). This variant is present in population databases (rs149517732, gnomAD 0.01%). This variant has not been reported in the literature in individuals affected with FANCM-related conditions. ClinVar contains an entry for this variant (Variation ID: 1352507). An algorithm developed to predict the effect of missense changes on protein structure and function (PolyPhen-2) suggests that this variant is likely to be tolerated. In summary, the available evidence is currently insufficient to determine the role of this variant in disease. Therefore, it has been classified as a Variant of Uncertain Significance.

Ambry Genetics
Classification: Uncertain significance for Inborn genetic diseases. Last evaluated: 2025-01-14. Review status: criteria provided, single submitter. Criteria: Ambry Variant Classification Scheme 2023. Collection method: clinical testing. Allele origin: germline.
Comment: The p.Q162H variant (also known as c.486A>C), located in coding exon 1 of the FANCM gene, results from an A to C substitution at nucleotide position 486. The glutamine at codon 162 is replaced by histidine, an amino acid with highly similar properties. This amino acid position is conserved. In addition, this alteration is predicted to be tolerated by in silico analysis. Based on the available evidence, the clinical significance of this variant remains unclear.

GeneDx
Classification: Uncertain significance. Last evaluated: 2024-08-06. Review status: criteria provided, single submitter. Criteria: GeneDx Variant Classification Process June 2021. Collection method: clinical testing. Allele origin: germline. Affected: yes.
Comment: Not observed at significant frequency in large population cohorts (gnomAD); In silico analysis supports that this missense variant has a deleterious effect on protein structure/function; Has not been previously published as pathogenic or benign to our knowledge

PreventionGenetics, part of Exact Sciences
Classification: Uncertain significance for FANCM-related condition. Last evaluated: 2023-03-27. Review status: criteria provided, single submitter. Criteria: ACMG Guidelines, 2015. Collection method: clinical testing. Allele origin: germline.
Comment: The FANCM c.486A>C variant is predicted to result in the amino acid substitution p.Gln162His. To our knowledge, this variant has not been reported in the literature. This variant is reported in 0.0080% of alleles in individuals of African descent in gnomAD. At this time, the clinical significance of this variant is uncertain due to the absence of conclusive functional and genetic evidence.

NM_020937.4(FANCM):c.486A>C (p.Gln162His)

Gene: FANCM (FA complementation group M; plus strand). Cytogenetic location: 14q21.2.
Variant type: single nucleotide variant.
Coding change: c.486A>C on transcript NM_020937.4 (MANE Select); coding-DNA position 486, A replaced by C.
Protein change: p.Gln162His; replaces glutamine 162 with histidine.
Molecular consequence: missense variant.
Genome position (GRCh38, 1-based): chr14:45,136,517, A>C. VCF-style: chr14-45136517-A-C. GRCh37 (hg19) VCF-style: chr14-45605720-A-C.
Other names: c.486A>C, p.Gln162His (NM_001308133.2, NM_001308134.2); c.486A>C (NM_020937.3, NM_020937.2); short protein forms Q162H.
Identifiers: ClinVar variation 1352507 (VCV001352507.8), dbSNP rs149517732, ClinGen allele CA7168772.